The following is an entry in ClinVar:

NM_004320.6(ATP2A1):c.1553_1554del (p.Pro518fs)

Gene: ATP2A1 (ATPase sarcoplasmic/endoplasmic reticulum Ca2+ transporting 1; plus strand). Cytogenetic location: 16p11.2.
Variant type: Deletion.
Coding change: c.1553_1554del on transcript NM_004320.6 (MANE Select); coding-DNA positions 1553 to 1554, 2 bases deleted (CT; older notation c.1553_1554delCT).
Protein change: p.Pro518fs; shifts the reading frame from proline 518.
Molecular consequence: frameshift variant.
Genome position (GRCh38, 1-based): chr16:28,898,240-28,898,241, CT deleted. VCF-style (leftmost placement, unchanged base first): chr16-28898239-CCT-C. GRCh37 (hg19) VCF-style: chr16-28909560-CCT-C.
Other names: c.1178_1179del, p.Pro393fs (NM_001286075.2); c.1553_1554del, p.Pro518fs (NM_173201.5); short protein forms P393fs, P518fs.
Identifiers: ClinVar variation 3604261 (VCV003604261.2).

ClinVar aggregate classification (germline): Pathogenic (1 of 4 stars; one submission).

Conditions:
Brody myopathy. Also called: BRODY DISEASE. Identifiers: Orphanet 53347, MedGen C1832918, MONDO:0010977, OMIM 601003.

Submission:

Labcorp Genetics (formerly Invitae), Labcorp
Classification: Pathogenic for Brody myopathy. Last evaluated: 2024-03-16. Review status: criteria provided, single submitter. Criteria: Invitae Variant Classification Sherloc (09022015). Collection method: clinical testing. Allele origin: germline.
Comment: This sequence change creates a premature translational stop signal (p.Pro518Argfs*8) in the ATP2A1 gene. It is expected to result in an absent or disrupted protein product. Loss-of-function variants in ATP2A1 are known to be pathogenic (PMID: 8841193, 10914677, 23911890). This variant is present in population databases (rs746219956, gnomAD 0.02%). This variant has not been reported in the literature in individuals affected with ATP2A1-related conditions. For these reasons, this variant has been classified as Pathogenic.

Literature cited by the submitters: PubMed 8841193; PubMed 10914677; PubMed 23911890.